The following is an entry in ClinVar:

ClinVar aggregate classification (germline): Uncertain significance. Review status: criteria provided, multiple submitters, no conflicts (2 of 4 stars). 4 submissions from 4 submitters: Uncertain significance (4). Last evaluated 2023-07-26.

Conditions:
Inborn genetic diseases. Identifiers: MedGen C0950123, MeSH D030342.
X-linked recessive nephrolithiasis with renal failure (XRN). Also called: NEPHROLITHIASIS 1; NEPHROLITHIASIS, X-LINKED RECESSIVE, TYPE 1; UROLITHIASIS, X-LINKED RECESSIVE, TYPE 1. Identifiers: Orphanet 1652, Orphanet 93622, MedGen C0403720, MONDO:0010687, OMIM 310468.
Hypophosphatemic rickets, X-linked recessive (XLHRR). Identifiers: Orphanet 1652, Orphanet 93622, MedGen C1845168, MONDO:0010358, OMIM 300554.
Proteinuria, low molecular weight, with hypercalciuria and nephrocalcinosis. Identifiers: Orphanet 1652, Orphanet 93622, MedGen C1839874, MONDO:0010644, OMIM 308990.
Dent disease type 1 (DENT1). Also called: NEPHROLITHIASIS 2; NEPHROLITHIASIS, HYPERCALCIURIC, X-LINKED. Identifiers: Orphanet 1652, Orphanet 93622, MedGen C1848336, MONDO:0010225, OMIM 300009.

Allele frequency attached by ClinVar (database versions not stated): gnomAD 0.00004; ExAC 0.00005; gnomAD exomes 0.00005 and 0.00006; TOPMed 0.00006; ESP Exome Variant Server 0.00019.
gnomAD v4.1: 59 of 1,208,876 alleles (0.0049%); highest among the groups gnomAD compares: Non-Finnish European, 0.0064%; no homozygotes.

Submissions (4):

Labcorp Genetics (formerly Invitae), Labcorp
Classification: Uncertain significance. Last evaluated: 2023-07-26. Review status: criteria provided, single submitter. Criteria: Invitae Variant Classification Sherloc (09022015). Collection method: clinical testing. Allele origin: germline.
Comment: In summary, the available evidence is currently insufficient to determine the role of this variant in disease. Therefore, it has been classified as a Variant of Uncertain Significance. An algorithm developed to predict the effect of missense changes on protein structure and function (PolyPhen-2) suggests that this variant¬†is likely to be tolerated. ClinVar contains an entry for this variant (Variation ID: 624416). This variant has not been reported in the literature in individuals affected with CLCN5-related conditions. This variant is present in population databases (rs147378499, gnomAD 0.01%), and has an allele count higher than expected for a pathogenic variant. This sequence change replaces glutamic acid, which is acidic and polar, with alanine, which is neutral and non-polar, at codon 664 of the CLCN5 protein (p.Glu664Ala).

Ambry Genetics
Classification: Uncertain significance for Inborn genetic diseases. Last evaluated: 2023-05-08. Review status: criteria provided, single submitter. Criteria: Ambry Variant Classification Scheme 2023. Collection method: clinical testing. Allele origin: germline.

Fulgent Genetics
Classification: Uncertain significance for Dent disease type 1; Hypophosphatemic rickets, X-linked recessive; Proteinuria, low molecular weight, with hypercalciuria and nephrocalcinosis; X-linked recessive nephrolithiasis with renal failure. Last evaluated: 2022-04-27. Review status: criteria provided, single submitter. Criteria: ACMG Guidelines, 2015. Collection method: clinical testing. Allele origin: unknown.

CeGaT Center for Human Genetics Tuebingen
Classification: Uncertain significance. Last evaluated: 2018-07-01. Review status: criteria provided, single submitter. Criteria: CeGaT Center For Human Genetics Tuebingen Variant Classification Criteria Version 2. Collection method: clinical testing. Allele origin: germline. Affected: yes. Observed: 3 variant alleles.

NM_001127898.4(CLCN5):c.2201A>C (p.Glu734Ala)

Genes: CLCN5 (Cl-/H+ antiporter 5; plus strand), LOC126863258 (BRD4-independent group 4 enhancer GRCh37_chrX:49854497-49855696; plus strand). Cytogenetic location: Xp11.23.
Variant type: single nucleotide variant.
Coding change: c.2201A>C on transcript NM_001127898.4 (MANE Select); coding-DNA position 2201, A replaced by C.
Protein change: p.Glu734Ala; replaces glutamic acid 734 with alanine.
Molecular consequence: missense variant.
Genome position (GRCh38, 1-based): chrX:50,090,727, A>C. VCF-style: chrX-50090727-A-C. GRCh37 (hg19) VCF-style: chrX-49855384-A-C.
Other names: c.1991A>C, p.Glu664Ala (NM_000084.5); c.2201A>C, p.Glu734Ala (NM_001127899.4); c.2051A>C, p.Glu684Ala (NM_001282163.2); c.1991A>C (NM_000084.2); short protein forms E734A, E664A, E684A.
Identifiers: ClinVar variation 624416 (VCV000624416.49), dbSNP rs147378499, ClinGen allele CA10413976.